The following is an entry in ClinVar:

NM_001365536.1(SCN9A):c.4885G>A (p.Gly1629Arg)

Genes: SCN9A (sodium voltage-gated channel alpha subunit 9; minus strand), SCN1A-AS1 (SCN1A and SCN9A antisense RNA 1; plus strand). Cytogenetic location: 2q24.3.
Variant type: single nucleotide variant.
Coding change: c.4885G>A on transcript NM_001365536.1 (MANE Select); coding-DNA position 4885, G replaced by A.
Protein change: p.Gly1629Arg; replaces glycine 1629 with arginine.
Molecular consequence: missense variant. On other transcripts: non-coding transcript variant (1).
Genome position (GRCh38, 1-based): chr2:166,199,754, C>T on the plus strand (G>A on the coding strand, the complement: SCN9A is on the minus strand). VCF-style: chr2-166199754-C-T. GRCh37 (hg19) VCF-style: chr2-167056264-C-T.
Other names: c.4852G>A, p.Gly1618Arg (NM_002977.4); short protein forms G1629R, G1618R.
Identifiers: ClinVar variation 1483297 (VCV001483297.8), dbSNP rs1026039008, ClinGen allele CA59784476.
Genomic context (GRCh38, chr2:166,199,754, plus strand): 5'-GGCCGATGTTAAACAACGCAGGAAGGGACATCATCAAAGCAAAGAGCAGCGTGCGGATCC[C>T]CTTTGCTCCTTTGACTAGACGTAGGATTCGGCCAATCCTGGCAAGACGGATCACTCGGAA-3'
Protein context (NP_001352465.1, residues 1619-1639): RILRLVKGAK[Gly1629Arg]IRTLLFALMM

ClinVar aggregate classification (germline): Uncertain significance (1 of 4 stars; one submission).

Conditions:
Generalized epilepsy with febrile seizures plus, type 7 (GEFSP7). Also called: GEFS+, TYPE 7. Identifiers: Orphanet 36387, MedGen C2751778, MONDO:0013470, OMIM 613863.
Neuropathy, hereditary sensory and autonomic, type 2A (HSAN2A). Also called: HSAN IIA; WNK1-Related HSAN2 (HSAN2A); MORVAN DISEASE; NEUROPATHY, CONGENITAL SENSORY; NEUROPATHY, HEREDITARY SENSORY RADICULAR, AUTOSOMAL RECESSIVE; NEUROPATHY, HEREDITARY SENSORY, TYPE IIA. Identifiers: Orphanet 970, MedGen C2752089, MONDO:0024309, OMIM 201300.

Submission:

Labcorp Genetics (formerly Invitae), Labcorp
Classification: Uncertain significance for Neuropathy, hereditary sensory and autonomic, type 2A; Generalized epilepsy with febrile seizures plus, type 7. Last evaluated: 2025-07-09. Review status: criteria provided, single submitter. Criteria: Invitae Variant Classification Sherloc (09022015). Collection method: clinical testing. Allele origin: germline.
Comment: This sequence change replaces glycine, which is neutral and non-polar, with arginine, which is basic and polar, at codon 1618 of the SCN9A protein (p.Gly1618Arg). This variant is not present in population databases (gnomAD no frequency). This variant has not been reported in the literature in individuals affected with SCN9A-related conditions. ClinVar contains an entry for this variant (Variation ID: 1483297). Invitae Evidence Modeling of protein sequence and biophysical properties (such as structural, functional, and spatial information, amino acid conservation, physicochemical variation, residue mobility, and thermodynamic stability) indicates that this missense variant is not expected to disrupt SCN9A protein function with a negative predictive value of 80%. In summary, the available evidence is currently insufficient to determine the role of this variant in disease. Therefore, it has been classified as a Variant of Uncertain Significance.